The following is an entry in ClinVar:

NM_001012301.4(ARSI):c.940C>T (p.Arg314Cys)

Gene: ARSI (arylsulfatase family member I; minus strand). Cytogenetic location: 5q32.
Variant type: single nucleotide variant.
Coding change: c.940C>T on transcript NM_001012301.4 (MANE Select); coding-DNA position 940, C replaced by T.
Protein change: p.Arg314Cys; replaces arginine 314 with cysteine.
Molecular consequence: missense variant.
Genome position (GRCh38, 1-based): chr5:150,297,984, G>A on the plus strand (C>T on the coding strand, the complement: ARSI is on the minus strand). VCF-style: chr5-150297984-G-A. GRCh37 (hg19) VCF-style: chr5-149677547-G-A.
Other names: short protein forms R314C.
Identifiers: ClinVar variation 1464949 (VCV001464949.6), dbSNP rs776520005, ClinGen allele CA3510204.
Genomic context (GRCh38, chr5:150,297,984, plus strand): 5'-GCAGGGGACTGTGGACAAAGCCTAGGCCCCGCACGCCACCTTCCCAATAAGTGCCCTTGC[G>A]TCCTCGGAGCGGCCAGTTGCTGCCCCCCGAGAAAGTCTGGCCACCATTGTCACTGGAGAA-3'
Protein context (NP_001012301.1, residues 304-324): SGGSNWPLRG[Arg314Cys]KGTYWEGGVR

ClinVar aggregate classification (germline): Uncertain significance (1 of 4 stars; one submission).

Conditions:
Spastic paraplegia. Identifiers: MedGen C0037772, HP:0001258.

Allele frequency attached by ClinVar (database versions not stated): gnomAD exomes 0.00002; TOPMed 0.00002; ExAC 0.00003; gnomAD 0.00003.

Submission:

Labcorp Genetics (formerly Invitae), Labcorp
Classification: Uncertain significance for Spastic paraplegia. Last evaluated: 2022-03-08. Review status: criteria provided, single submitter. Criteria: Invitae Variant Classification Sherloc (09022015). Collection method: clinical testing. Allele origin: germline.
Comment: This sequence change replaces arginine, which is basic and polar, with cysteine, which is neutral and slightly polar, at codon 314 of the ARSI protein (p.Arg314Cys). In summary, the available evidence is currently insufficient to determine the role of this variant in disease. Therefore, it has been classified as a Variant of Uncertain Significance. Algorithms developed to predict the effect of missense changes on protein structure and function (SIFT, PolyPhen-2, Align-GVGD) all suggest that this variant is likely to be tolerated. This variant has not been reported in the literature in individuals affected with ARSI-related conditions. This variant is present in population databases (rs776520005, gnomAD 0.009%).